The following is an entry in ClinVar:

ClinVar aggregate classification (germline): Conflicting classifications of pathogenicity. Review status: criteria provided, conflicting classifications (1 of 4 stars). 9 submissions from 9 submitters: Uncertain significance (1); Likely benign (8). Last evaluated 2026-04-20.

Conditions:
LMNA-related disorder. Also called: LMNA-related condition; LMNA-related disease; LMNA-related disorders. Identifiers: MedGen CN380145.
Charcot-Marie-Tooth disease type 2. Also called: Charcot-Marie-Tooth type 2. Identifiers: Orphanet 64746, MedGen C0270914, MONDO:0018993.
Cardiomyopathy (CMYO). Also called: Cardiomyopathies. Identifiers: Orphanet 167848, MedGen C0878544, MONDO:0004994, HP:0001638. Inheritance: Various modes of inheritance.
Primary dilated cardiomyopathy (DCM). Also called: Dilated Cardiomyopathy. Identifiers: Orphanet 217604, MedGen C0007193, MeSH D002311, MONDO:0005021, HP:0001644. Inheritance: Various modes of inheritance.

Allele frequency attached by ClinVar (database versions not stated): TOPMed 0.00004; ExAC 0.00006; gnomAD 0.00006.
gnomAD v4.1: 89 of 1,612,364 alleles (0.0055%); highest among the groups gnomAD compares: African/African-American, 0.008%; no homozygotes.

Submissions (9):

Women's Health and Genetics/Laboratory Corporation of America, LabCorp
Classification: Likely benign. Last evaluated: 2026-04-20. Review status: criteria provided, single submitter. Criteria: LabCorp Variant Classification Summary - May 2015. Collection method: clinical testing. Allele origin: germline.
Comment: Variant summary: LMNA c.1381-6C>T alters a non-conserved nucleotide located at a position not widely known to affect splicing. Consensus agreement among computation tools predict no significant impact on normal splicing. However, these predictions have yet to be confirmed by functional studies. The variant allele was found at a frequency of 4.8e-05 in 248810 control chromosomes. This frequency is not significantly higher than estimated for disease-causing variants in LMNA, allowing no conclusion about variant significance. To our knowledge, no occurrence of c.1381-6C>T in individuals affected with LMNA-related conditions and no experimental evidence demonstrating its impact on protein function have been reported. ClinVar contains an entry for this variant (Variation ID: 227502). Based on the evidence outlined above, the variant was classified as likely benign.

PreventionGenetics, part of Exact Sciences
Classification: Likely benign for LMNA-related condition. Last evaluated: 2026-02-12. Review status: criteria provided, single submitter. Criteria: ACMG Guidelines, 2015. Collection method: clinical testing. Allele origin: germline.
Comment: This variant is classified as likely benign based on ACMG/AMP sequence variant interpretation guidelines (Richards et al. 2015 PMID: 25741868, with internal and published modifications).

Labcorp Genetics (formerly Invitae), Labcorp
Classification: Likely benign for Charcot-Marie-Tooth disease type 2. Last evaluated: 2025-12-20. Review status: criteria provided, single submitter. Criteria: Invitae Variant Classification Sherloc (09022015). Collection method: clinical testing. Allele origin: germline.

Mayo Clinic Laboratories, Mayo Clinic
Classification: Likely benign. Last evaluated: 2025-11-20. Review status: criteria provided, single submitter. Criteria: ACMG Guidelines, 2015. Collection method: clinical testing. Allele origin: germline. Observed: 2 variant alleles.
Comment: BP4, BP7

All of Us Research Program, National Institutes of Health
Classification: Likely benign for Primary dilated cardiomyopathy. Last evaluated: 2023-12-18. Review status: criteria provided, single submitter. Criteria: ACMG Guidelines, 2015. Collection method: clinical testing. Allele origin: germline. Inheritance: Autosomal dominant inheritance. Observed: 16 variant alleles, 16 heterozygotes.
Comment: This study involves interpretation of variants in research participants for the purpose of population health screening. Participant phenotype was not available at the time of variant classification. Additional details can be found in publication PMID: 35346344, PMCID: PMC8962531

Color Diagnostics, LLC DBA Color Health
Classification: Likely benign for Cardiomyopathy. Last evaluated: 2018-11-08. Review status: criteria provided, single submitter. Criteria: ACMG Guidelines, 2015. Collection method: clinical testing. Allele origin: germline.

GeneDx
Classification: Likely benign. Last evaluated: 2018-10-30. Review status: criteria provided, single submitter. Criteria: GeneDx Variant Classification Process June 2021. Collection method: clinical testing. Allele origin: germline. Affected: yes.

CeGaT Center for Human Genetics Tuebingen
Classification: Uncertain significance. Last evaluated: 2016-08-01. Review status: criteria provided, single submitter. Criteria: CeGaT Center For Human Genetics Tuebingen Variant Classification Criteria Version 2. Collection method: clinical testing. Allele origin: germline. Affected: yes. Observed: 2 variant alleles.

Laboratory for Molecular Medicine, Mass General Brigham Personalized Medicine
Classification: Likely benign. Last evaluated: 2015-07-01. Review status: criteria provided, single submitter. Criteria: LMM Criteria. Collection method: clinical testing. Allele origin: germline. Observed: 1 variant allele.
Comment: c.1381-6C>T in intron 7 of LMNA: This variant is not expected to have clinical s ignificance because a C>T change at this position does not diverge from the spli ce consensus sequence and is therefore unlikely to impact splicing. It has been identified in 4/54650 European chromosomes by the Exome Aggregation Consortium ( ExAC; dbSNP rs371635492).

NM_170707.4(LMNA):c.1381-6C>T

Gene: LMNA (lamin A/C; plus strand). Cytogenetic location: 1q22.
Variant type: single nucleotide variant.
Coding change: c.1381-6C>T on transcript NM_170707.4 (MANE Select); 6 bases into the intron before coding-DNA position 1381, C replaced by T.
Molecular consequence: intron variant.
Genome position (GRCh38, 1-based): chr1:156,136,915, C>T. VCF-style: chr1-156136915-C-T. GRCh37 (hg19) VCF-style: chr1-156106706-C-T.
Other names: p.?; c.1381-6C>T (NM_001282625.2, NM_001282626.2, NM_170708.4 and 1 more transcripts); c.1045-6C>T (NM_001257374.3); c.1138-6C>T (NM_001282624.2).
Identifiers: ClinVar variation 227502 (VCV000227502.63), dbSNP rs371635492, ClinGen allele CA050164.